The following is an entry in ClinVar:

NM_020699.4(GATAD2B):c.1518T>G (p.His506Gln)

Gene: GATAD2B (GATA zinc finger domain containing 2B; minus strand). Cytogenetic location: 1q21.3.
Variant type: single nucleotide variant.
Coding change: c.1518T>G on transcript NM_020699.4 (MANE Select); coding-DNA position 1518, T replaced by G.
Protein change: p.His506Gln; replaces histidine 506 with glutamine.
Molecular consequence: missense variant.
Genome position (GRCh38, 1-based): chr1:153,812,034, A>C on the plus strand (T>G on the coding strand, the complement: GATAD2B is on the minus strand). VCF-style: chr1-153812034-A-C. GRCh37 (hg19) VCF-style: chr1-153784510-A-C.
Other names: short protein forms H506Q.
Identifiers: ClinVar variation 1723448 (VCV001723448.1), dbSNP rs750238916, ClinGen allele CA1120631.

ClinVar aggregate classification (germline): Uncertain significance (1 of 4 stars; one submission).

Allele frequency attached by ClinVar (database versions not stated): ExAC 0.00001; gnomAD 0.00001; TOPMed 0.00001.
gnomAD v4.1: 2 of 1,600,958 alleles (0.00012%); highest among the groups gnomAD compares: African/African-American, 0.0027%; no homozygotes.

Submission:

Women's Health and Genetics/Laboratory Corporation of America, LabCorp
Classification: Uncertain significance. Last evaluated: 2022-10-04. Review status: criteria provided, single submitter. Criteria: LabCorp Variant Classification Summary - May 2015. Collection method: clinical testing. Allele origin: germline.
Comment: Variant summary: GATAD2B c.1518T>G (p.His506Gln) results in a non-conservative amino acid change in the encoded protein sequence. Three in-silico tools predict a damaging effect of the variant on protein function. The variant allele was found at a frequency of 4e-06 in 251326 control chromosomes (gnomAD). The available data on variant occurrences in the general population are insufficient to allow any conclusion about variant significance. To our knowledge, no occurrence of c.1518T>G in individuals affected with Severe Intellectual Disability-Poor Language-Strabismus Face-Long Fingers Syndrome and no experimental evidence demonstrating its impact on protein function have been reported. No clinical diagnostic laboratories have submitted clinical-significance assessments for this variant to ClinVar after 2014. Based on the evidence outlined above, the variant was classified as uncertain significance.